The following is an entry in ClinVar:

ClinVar aggregate classification (germline): Uncertain significance (1 of 4 stars; one submission).

Conditions:
T-cell immunodeficiency, congenital alopecia, and nail dystrophy. Also called: Congenital alopecia and nail dystrophy associated with severe functional T-cell immunodeficiency; Pignata Guarino syndrome. Identifiers: Orphanet 169095, MedGen C1866426, MONDO:0011132, OMIM 601705.

Allele frequency attached by ClinVar (database versions not stated): gnomAD exomes 0.00001 and 0.00002; ExAC 0.00003.
gnomAD v4.1: 15 of 1,612,622 alleles (0.00093%); highest among the groups gnomAD compares: South Asian, 0.015%; no homozygotes.

Submission:

Labcorp Genetics (formerly Invitae), Labcorp
Classification: Uncertain significance for T-cell immunodeficiency, congenital alopecia, and nail dystrophy. Last evaluated: 2021-12-22. Review status: criteria provided, single submitter. Criteria: Invitae Variant Classification Sherloc (09022015). Collection method: clinical testing. Allele origin: germline.
Comment: This sequence change replaces serine, which is neutral and polar, with proline, which is neutral and non-polar, at codon 491 of the FOXN1 protein (p.Ser491Pro). This variant is present in population databases (rs772251699, gnomAD 0.02%). This variant has not been reported in the literature in individuals affected with FOXN1-related conditions. ClinVar contains an entry for this variant (Variation ID: 1007777). Algorithms developed to predict the effect of missense changes on protein structure and function are either unavailable or do not agree on the potential impact of this missense change (SIFT: "Tolerated"; PolyPhen-2: "Possibly Damaging"; Align-GVGD: "Class C0"). In summary, the available evidence is currently insufficient to determine the role of this variant in disease. Therefore, it has been classified as a Variant of Uncertain Significance.

NM_001369369.1(FOXN1):c.1471T>C (p.Ser491Pro)

Gene: FOXN1 (forkhead box N1; plus strand). Cytogenetic location: 17q11.2.
Variant type: single nucleotide variant.
Coding change: c.1471T>C on transcript NM_001369369.1 (MANE Select); coding-DNA position 1471, T replaced by C.
Protein change: p.Ser491Pro; replaces serine 491 with proline.
Molecular consequence: missense variant.
Genome position (GRCh38, 1-based): chr17:28,535,042, T>C. VCF-style: chr17-28535042-T-C. GRCh37 (hg19) VCF-style: chr17-26862060-T-C.
Other names: c.1471T>C, p.Ser491Pro (NM_003593.3); short protein forms S491P.
Identifiers: ClinVar variation 1007777 (VCV001007777.2), dbSNP rs772251699, ClinGen allele CA8459535.